The following is an entry in ClinVar:

NM_000038.6(APC):c.1749A>C (p.Ser583=)

Gene: APC (APC regulator of Wnt signaling pathway; plus strand). Cytogenetic location: 5q22.2.
Variant type: single nucleotide variant.
Coding change: c.1749A>C on transcript NM_000038.6 (MANE Select); coding-DNA position 1749, A replaced by C.
Protein change: p.Ser583=; no amino-acid change (serine 583 retained).
Molecular consequence: synonymous variant.
Genome position (GRCh38, 1-based): chr5:112,834,956, A>C. VCF-style: chr5-112834956-A-C. GRCh37 (hg19) VCF-style: chr5-112170653-A-C.
Other names: c.1749A>C, p.Ser583= (NM_001127510.3, NM_001354895.2); c.1695A>C, p.Ser565= (NM_001127511.3); c.1803A>C, p.Ser601= (NM_001354896.2); c.1779A>C, p.Ser593= (NM_001354897.2); c.1674A>C, p.Ser558= (NM_001354898.2); c.1665A>C, p.Ser555= (NM_001354899.2); c.1626A>C, p.Ser542= (NM_001354900.2); c.1572A>C, p.Ser524= (NM_001354901.2); and 5 more.
Identifiers: ClinVar variation 797754 (VCV000797754.13), dbSNP rs1580603138, ClinGen allele CA445758350.

ClinVar aggregate classification (germline): Benign/Likely benign. Review status: criteria provided, multiple submitters, no conflicts (2 of 4 stars). 3 submissions from 3 submitters: Benign (1); Likely benign (2). Last evaluated 2024-03-07.

Conditions:
Familial adenomatous polyposis 1 (FAP1). Also called: POLYPOSIS, ADENOMATOUS INTESTINAL; FAMILIAL ADENOMATOUS POLYPOSIS 1, ATTENUATED. Identifiers: MedGen C2713442, MONDO:0021056, OMIM 175100. Disease mechanism: loss of function.
Hereditary cancer-predisposing syndrome. Also called: Neoplastic Syndromes, Hereditary; Hereditary neoplastic syndrome; Tumor predisposition; Hereditary Cancer Syndrome. Identifiers: Orphanet 140162, MedGen C0027672, MeSH D009386, MONDO:0015356.

Submissions (3):

Myriad Genetics, Inc.
Classification: Benign for Familial adenomatous polyposis 1. Last evaluated: 2024-03-07. Review status: criteria provided, single submitter. Criteria: Myriad Autosomal Dominant, Autosomal Recessive and X-Linked Classification Criteria (2023). Collection method: clinical testing. Allele origin: unknown.
Comment: This variant is considered benign. This variant is a silent/synonymous amino acid change and it is not expected to impact splicing.

Ambry Genetics
Classification: Likely benign for Hereditary cancer-predisposing syndrome. Last evaluated: 2023-11-19. Review status: criteria provided, single submitter. Criteria: Ambry Variant Classification Scheme 2023. Collection method: clinical testing. Allele origin: germline.

Labcorp Genetics (formerly Invitae), Labcorp
Classification: Likely benign for Familial adenomatous polyposis 1. Last evaluated: 2023-10-09. Review status: criteria provided, single submitter. Criteria: Invitae Variant Classification Sherloc (09022015). Collection method: clinical testing. Allele origin: germline.